The following is an entry in ClinVar:

NM_020754.4(ARHGAP31):c.3928C>T (p.Arg1310Cys)

Gene: ARHGAP31 (Rho GTPase activating protein 31; plus strand). Cytogenetic location: 3q13.33.
Variant type: single nucleotide variant.
Coding change: c.3928C>T on transcript NM_020754.4 (MANE Select); coding-DNA position 3928, C replaced by T.
Protein change: p.Arg1310Cys; replaces arginine 1310 with cysteine.
Molecular consequence: missense variant.
Genome position (GRCh38, 1-based): chr3:119,415,857, C>T. VCF-style: chr3-119415857-C-T. GRCh37 (hg19) VCF-style: chr3-119134704-C-T.
Other names: short protein forms R1310C.
Identifiers: ClinVar variation 3703104 (VCV003703104.2).

ClinVar aggregate classification (germline): Uncertain significance (1 of 4 stars; one submission).

gnomAD v4.1: 61 of 1,614,202 alleles (0.0038%); highest among the groups gnomAD compares: East Asian, 0.078%; no homozygotes.

Submission:

Labcorp Genetics (formerly Invitae), Labcorp
Classification: Uncertain significance. Last evaluated: 2025-08-03. Review status: criteria provided, single submitter. Criteria: Invitae Variant Classification Sherloc (09022015). Collection method: clinical testing. Allele origin: germline.
Comment: This sequence change replaces arginine, which is basic and polar, with cysteine, which is neutral and slightly polar, at codon 1310 of the ARHGAP31 protein (p.Arg1310Cys). This variant is present in population databases (rs755634742, gnomAD 0.07%), and has an allele count higher than expected for a pathogenic variant. This variant has not been reported in the literature in individuals affected with ARHGAP31-related conditions. ClinVar contains an entry for this variant (Variation ID: 3703104). An algorithm developed to predict the effect of missense changes on protein structure and function outputs the following: PolyPhen-2: "Benign". The cysteine amino acid residue is found in multiple mammalian species, which suggests that this missense change does not adversely affect protein function. In summary, the available evidence is currently insufficient to determine the role of this variant in disease. Therefore, it has been classified as a Variant of Uncertain Significance.